The following is an entry in ClinVar:

NM_024675.4(PALB2):c.839dup (p.Asn280fs)

Gene: PALB2 (partner and localizer of BRCA2; minus strand). Cytogenetic location: 16p12.2.
Variant type: Duplication.
Coding change: c.839dup on transcript NM_024675.4 (MANE Select); coding-DNA position 839, one base duplicated (A; older notation c.839dupA).
Protein change: p.Asn280fs; shifts the reading frame from asparagine 280.
Molecular consequence: frameshift variant.
Genome position (GRCh38, 1-based): chr16:23,635,707, T duplicated on the plus strand (A on the coding strand, the reverse complement: PALB2 is on the minus strand); the first of 6 consecutive T bases (chr16:23,635,707-23,635,712); duplicating any one gives the same sequence. VCF-style (leftmost placement, unchanged base first): chr16-23635706-G-GT. GRCh37 (hg19) VCF-style: chr16-23647027-G-GT.
Other names: short protein forms N280fs.
Identifiers: ClinVar variation 1451855 (VCV001451855.7), dbSNP rs1555461597, ClinGen allele CA2573152202.

ClinVar aggregate classification (germline): Pathogenic. Review status: criteria provided, multiple submitters, no conflicts (2 of 4 stars). 2 submissions from 2 submitters: Pathogenic (2). Last evaluated 2024-02-07.

Conditions:
Familial cancer of breast. Also called: BREAST CANCER, FAMILIAL; Hereditary breast cancer; hereditary breast carcinoma. Identifiers: Orphanet 227535, MedGen C0346153, MONDO:0016419, OMIM 114480. Disease mechanism: loss of function.

Submissions (2):

Labcorp Genetics (formerly Invitae), Labcorp
Classification: Pathogenic for Familial cancer of breast. Last evaluated: 2024-02-07. Review status: criteria provided, single submitter. Criteria: Invitae Variant Classification Sherloc (09022015). Collection method: clinical testing. Allele origin: germline.
Comment: This sequence change creates a premature translational stop signal (p.Asn280Lysfs*3) in the PALB2 gene. It is expected to result in an absent or disrupted protein product. Loss-of-function variants in PALB2 are known to be pathogenic (PMID: 17200668, 17200671, 17200672, 24136930, 25099575). This variant is not present in population databases (gnomAD no frequency). This variant has not been reported in the literature in individuals affected with PALB2-related conditions. ClinVar contains an entry for this variant (Variation ID: 1451855). For these reasons, this variant has been classified as Pathogenic.

Myriad Genetics, Inc.
Classification: Pathogenic for Familial cancer of breast. Last evaluated: 2023-09-07. Review status: criteria provided, single submitter. Criteria: Myriad Autosomal Dominant, Autosomal Recessive and X-Linked Classification Criteria (2023). Collection method: clinical testing. Allele origin: unknown.
Comment: This variant is considered pathogenic. This variant creates a frameshift predicted to result in premature protein truncation.

Literature cited by the submitters: PubMed 17200668 (cited by Labcorp Genetics (formerly Invitae), Labcorp); PubMed 17200671 (cited by Labcorp Genetics (formerly Invitae), Labcorp); PubMed 17200672 (cited by Labcorp Genetics (formerly Invitae), Labcorp); PubMed 24136930 (cited by Labcorp Genetics (formerly Invitae), Labcorp); PubMed 25099575 (cited by Labcorp Genetics (formerly Invitae), Labcorp).